The following is an entry in ClinVar:

ClinVar aggregate classification (germline): Likely benign (1 of 4 stars; one submission).

Conditions:
Sjögren-Larsson syndrome (SLS). Also called: FALDH DEFICIENCY; FATTY ALCOHOL:NAD+ OXIDOREDUCTASE DEFICIENCY; FATTY ALDEHYDE DEHYDROGENASE DEFICIENCY; ICHTHYOSIS, SPASTIC NEUROLOGIC DISORDER, AND OLIGOPHRENIA. Identifiers: Orphanet 816, MedGen C0037231, MONDO:0010031, OMIM 270200.

Allele frequency attached by ClinVar (database versions not stated): TOPMed 0.00009; gnomAD 0.00017; 1000 Genomes Project 30x 0.00047; 1000 Genomes Project 0.00060; gnomAD exomes 0.00060.
gnomAD v4.1: 202 of 442,758 alleles (0.046%); highest among the groups gnomAD compares: South Asian, 0.35%; 2 homozygotes.

Submission:

Illumina Laboratory Services, Illumina
Classification: Likely benign for Sjögren-Larsson syndrome. Last evaluated: 2018-01-13. Review status: criteria provided, single submitter. Criteria: ICSL Variant Classification Criteria 13 December 2019. Collection method: clinical testing. Allele origin: germline.
Comment: This variant was observed in the ICSL laboratory as part of a predisposition screen in an ostensibly healthy population. It had not been previously curated by ICSL or reported in the Human Gene Mutation Database (HGMD: prior to June 1st, 2018), and was therefore a candidate for classification through an automated scoring system. Utilizing variant allele frequency, disease prevalence and penetrance estimates, and inheritance mode, an automated score was calculated to assess if this variant is too frequent to cause the disease. Based on the score and internal cut-off values, a variant classified as likely benign is not then subjected to further curation. The score for this variant resulted in a classification of likely benign for this disease.

NM_000382.3(ALDH3A2):c.*292G>T

Gene: ALDH3A2 (aldehyde dehydrogenase 3 family member A2; plus strand). Cytogenetic location: 17p11.2.
Variant type: single nucleotide variant.
Coding change: c.*292G>T on transcript NM_000382.3 (MANE Select); 292 bases downstream of the stop codon, G replaced by T.
Molecular consequence: 3 prime UTR variant.
Genome position (GRCh38, 1-based): chr17:19,675,864, G>T. VCF-style: chr17-19675864-G-T. GRCh37 (hg19) VCF-style: chr17-19579177-G-T.
Other names: c.*348G>T (NM_001031806.2, NM_001369136.1, NM_001369137.2); c.*292G>T (NM_001369138.2, NM_001369139.1, NM_001369148.2); c.*239G>T (NM_001369146.2).
Identifiers: ClinVar variation 322221 (VCV000322221.5), dbSNP rs540671507, ClinGen allele CA10645060.